The following is an entry in ClinVar:

NM_005236.3(ERCC4):c.1214-1G>A

Gene: ERCC4 (ERCC excision repair 4, endonuclease catalytic subunit; plus strand). Cytogenetic location: 16p13.12.
Variant type: single nucleotide variant.
Coding change: c.1214-1G>A on transcript NM_005236.3 (MANE Select); the canonical splice acceptor site of the intron before coding-DNA position 1214, G replaced by A.
Molecular consequence: splice acceptor variant.
Genome position (GRCh38, 1-based): chr16:13,935,145, G>A. VCF-style: chr16-13935145-G-A. GRCh37 (hg19) VCF-style: chr16-14029002-G-A.
Identifiers: ClinVar variation 2445839 (VCV002445839.1), dbSNP rs2543179894, ClinGen allele CA394808760.

ClinVar aggregate classification (germline): Likely pathogenic (1 of 4 stars; one submission).

Conditions:
Xeroderma pigmentosum (XP). Identifiers: Orphanet 910, MedGen C0043346, MONDO:0019600.

Submission:

Women's Health and Genetics/Laboratory Corporation of America, LabCorp
Classification: Likely pathogenic for Xeroderma pigmentosum. Last evaluated: 2023-02-14. Review status: criteria provided, single submitter. Criteria: LabCorp Variant Classification Summary - May 2015. Collection method: clinical testing. Allele origin: germline.
Comment: Variant summary: ERCC4 c.1214-1G>A is located in a canonical splice-site and is predicted to affect mRNA splicing resulting in a significantly altered protein due to either exon skipping, shortening, or inclusion of intronic material. Several computational tools predict a significant impact on normal splicing: Four predict the variant abolishes a 3' acceptor site. Three predict the variant creates a 3' acceptor site resulting in a frameshift. However, these predictions have yet to be confirmed by functional studies. The variant was absent in 251154 control chromosomes. To our knowledge, no occurrence of c.1214-1G>A in individuals affected with Xeroderma Pigmentosum and no experimental evidence demonstrating its impact on protein function have been reported. No clinical diagnostic laboratories have submitted clinical-significance assessments for this variant to ClinVar after 2014. Based on the evidence outlined above, the variant was classified as likely pathogenic.